The following is an entry in ClinVar:

NM_005560.6(LAMA5):c.3045C>T (p.Ser1015=)

Gene: LAMA5 (laminin subunit alpha 5; minus strand). Cytogenetic location: 20q13.33.
Variant type: single nucleotide variant.
Coding change: c.3045C>T on transcript NM_005560.6 (MANE Select); coding-DNA position 3045, C replaced by T.
Protein change: p.Ser1015=; no amino-acid change (serine 1015 retained).
Molecular consequence: synonymous variant.
Genome position (GRCh38, 1-based): chr20:62,333,458, G>A on the plus strand (C>T on the coding strand, the complement: LAMA5 is on the minus strand). VCF-style: chr20-62333458-G-A. GRCh37 (hg19) VCF-style: chr20-60908514-G-A.
Identifiers: ClinVar variation 3053887 (VCV003053887.4), dbSNP rs376930247, ClinGen allele CA9943195.

ClinVar aggregate classification (germline): Benign. Review status: criteria provided, single submitter (1 of 4 stars). 2 submissions from 2 submitters: Benign (1). 1 of the submissions does not count toward it. Last evaluated 2025-12-01.

Conditions:
LAMA5-related disorder. Also called: LAMA5-Related Disorders; LAMA5-related condition.

Allele frequency attached by ClinVar (database versions not stated): gnomAD 0.00007; TOPMed 0.00007; ESP Exome Variant Server 0.00008; ExAC 0.00028.
gnomAD v4.1: 207 of 1,612,650 alleles (0.013%); highest among the groups gnomAD compares: South Asian, 0.16%; 2 homozygotes.

Submissions (2):

Labcorp Genetics (formerly Invitae), Labcorp
Classification: Benign. Last evaluated: 2025-12-01. Review status: criteria provided, single submitter. Criteria: Invitae Variant Classification Sherloc (09022015). Collection method: clinical testing. Allele origin: germline.

PreventionGenetics, part of Exact Sciences
Classification: Likely benign for LAMA5-related condition. Last evaluated: 2023-11-17. Review status: no assertion criteria provided. Collection method: clinical testing. Allele origin: germline. Not counted in ClinVar's aggregate classification.
Comment: This variant is classified as likely benign based on ACMG/AMP sequence variant interpretation guidelines (Richards et al. 2015 PMID: 25741868, with internal and published modifications).